The following is an entry in ClinVar:

ClinVar aggregate classification (germline): Uncertain significance. Review status: criteria provided, multiple submitters, no conflicts (2 of 4 stars). 6 submissions from 5 submitters: Uncertain significance (6). Last evaluated 2024-12-02.

Conditions:
Nephronophthisis. Also called: Juvenile Nephronophthisis. Identifiers: Orphanet 655, MedGen C0687120, MONDO:0019005, HP:0000090.
Senior-Loken syndrome 4 (SLSN4). Identifiers: Orphanet 3156, MedGen C1846979, MONDO:0011756, OMIM 606996.
Nephronophthisis 4 (NPHP4). Also called: NEPHRONOPHTHISIS 4, JUVENILE. Identifiers: Orphanet 655, MedGen C1847013, MONDO:0011752, OMIM 606966.

Allele frequency attached by ClinVar (database versions not stated): ExAC 0.00003; gnomAD exomes 0.00005 and 0.00006; TOPMed 0.00006; ESP Exome Variant Server 0.00008; gnomAD 0.00009.
gnomAD v4.1: 84 of 1,611,416 alleles (0.0052%); highest among the groups gnomAD compares: South Asian, 0.0099%; no homozygotes.

Submissions (6):

Labcorp Genetics (formerly Invitae), Labcorp
Classification: Uncertain significance for Nephronophthisis. Last evaluated: 2024-12-02. Review status: criteria provided, single submitter. Criteria: Invitae Variant Classification Sherloc (09022015). Collection method: clinical testing. Allele origin: germline.
Comment: This sequence change replaces arginine, which is basic and polar, with cysteine, which is neutral and slightly polar, at codon 1149 of the NPHP4 protein (p.Arg1149Cys). This variant is present in population databases (rs201605415, gnomAD 0.01%). This variant has not been reported in the literature in individuals affected with NPHP4-related conditions. ClinVar contains an entry for this variant (Variation ID: 287251). Invitae Evidence Modeling of protein sequence and biophysical properties (such as structural, functional, and spatial information, amino acid conservation, physicochemical variation, residue mobility, and thermodynamic stability) indicates that this missense variant is expected to disrupt NPHP4 protein function with a positive predictive value of 80%. In summary, the available evidence is currently insufficient to determine the role of this variant in disease. Therefore, it has been classified as a Variant of Uncertain Significance.

Blueprint Genetics
Classification: Uncertain significance. Last evaluated: 2024-09-23. Review status: criteria provided, single submitter. Criteria: ACMG Guidelines, 2015. Collection method: clinical testing. Allele origin: germline.

Fulgent Genetics
Classification: Uncertain significance for Nephronophthisis 4; Senior-Loken syndrome 4. Last evaluated: 2024-05-16. Review status: criteria provided, single submitter. Criteria: ACMG Guidelines, 2015. Collection method: clinical testing. Allele origin: germline.

Illumina Laboratory Services, Illumina
Classification: Uncertain significance for Nephronophthisis 4. Last evaluated: 2018-01-13. Review status: criteria provided, single submitter. Criteria: ICSL Variant Classification Criteria 13 December 2019. Collection method: clinical testing. Allele origin: germline.

Illumina Laboratory Services, Illumina
Classification: Uncertain significance for Senior-Loken syndrome 4. Last evaluated: 2018-01-13. Review status: criteria provided, single submitter. Criteria: ICSL Variant Classification Criteria 13 December 2019. Collection method: clinical testing. Allele origin: germline.

Eurofins Ntd Llc (ga)
Classification: Uncertain significance. Last evaluated: 2017-05-05. Review status: criteria provided, single submitter. Criteria: EGL Classification Definitions 2015. Collection method: clinical testing. Allele origin: germline. Observed: 2 variant alleles, 2 heterozygotes.

NM_015102.5(NPHP4):c.3445C>T (p.Arg1149Cys)

Gene: NPHP4 (nephrocystin 4; minus strand). Cytogenetic location: 1p36.31.
Variant type: single nucleotide variant.
Coding change: c.3445C>T on transcript NM_015102.5 (MANE Select); coding-DNA position 3445, C replaced by T.
Protein change: p.Arg1149Cys; replaces arginine 1149 with cysteine.
Molecular consequence: missense variant. On other transcripts: non-coding transcript variant (1).
Genome position (GRCh38, 1-based): chr1:5,867,767, G>A on the plus strand (C>T on the coding strand, the complement: NPHP4 is on the minus strand). VCF-style: chr1-5867767-G-A. GRCh37 (hg19) VCF-style: chr1-5927827-G-A.
Other names: c.1906C>T, p.Arg636Cys (NM_001291593.2); c.1909C>T, p.Arg637Cys (NM_001291594.2); short protein forms R1149C, R637C, R636C.
Identifiers: ClinVar variation 287251 (VCV000287251.16), dbSNP rs201605415, ClinGen allele CA553618.
Genomic context (GRCh38, chr1:5,867,767, plus strand): 5'-ACATGTGGGCTGCAGGGTCAGTGCAGGACCTGCCTGGAAATGTGTGCCAGGGCGGCAGGC[G>A]GATGGCCTTCTTCAGGAAGGAGAGCTCCGGGTGATAGAAGCGGAAGACCTGGTCCACCAC-3'
Protein context (NP_055917.1, residues 1139-1159): PELSFLKKAI[Arg1149Cys]LPPWHTFPGA